The following is an entry in ClinVar:

NM_181783.4(TMTC3):c.1619C>A (p.Ala540Glu)

Gene: TMTC3 (transmembrane O-mannosyltransferase targeting cadherins 3; plus strand). Cytogenetic location: 12q21.32.
Variant type: single nucleotide variant.
Coding change: c.1619C>A on transcript NM_181783.4 (MANE Select); coding-DNA position 1619, C replaced by A.
Protein change: p.Ala540Glu; replaces alanine 540 with glutamic acid.
Molecular consequence: missense variant. On other transcripts: non-coding transcript variant (1).
Genome position (GRCh38, 1-based): chr12:88,190,535, C>A. VCF-style: chr12-88190535-C-A. GRCh37 (hg19) VCF-style: chr12-88584312-C-A.
Other names: c.1439C>A, p.Ala480Glu (NM_001366574.1); c.1400C>A, p.Ala467Glu (NM_001366579.1); c.1352C>A, p.Ala451Glu (NM_001366580.1); c.926C>A, p.Ala309Glu (NM_001366583.1); short protein forms A309E, A451E, A467E, A480E, A540E.
Identifiers: ClinVar variation 2048414 (VCV002048414.3), dbSNP rs143116689, ClinGen allele CA6713330.
Genomic context (GRCh38, chr12:88,190,535, plus strand): 5'-CAGCCAGAATTGCCCCTAACCACCTAAATGTTTATATCAATCTGGCTAACCTGATCCGAG[C>A]AAATGAGTCCCGACTGGAAGAAGCAGATCAGCTGTACCGTCAAGCAATAAGCATGAGGCC-3'
Protein context (NP_861448.2, residues 530-550): VYINLANLIR[Ala540Glu]NESRLEEADQ

ClinVar aggregate classification (germline): Uncertain significance. Review status: criteria provided, multiple submitters, no conflicts (2 of 4 stars). 2 submissions from 2 submitters: Uncertain significance (2). Last evaluated 2024-06-07.

Conditions:
Inborn genetic diseases. Identifiers: MedGen C0950123, MeSH D030342.

Allele frequency attached by ClinVar (database versions not stated): 1000 Genomes Project 30x 0.00016; 1000 Genomes Project 0.00020; ExAC 0.00039; TOPMed 0.00043; gnomAD 0.00049; ESP Exome Variant Server 0.00062; gnomAD exomes 0.00086.
gnomAD v4.1: 1,316 of 1,613,886 alleles (0.082%); highest among the groups gnomAD compares: Non-Finnish European, 0.11%; no homozygotes.

Submissions (2):

Ambry Genetics
Classification: Uncertain significance for Inborn genetic diseases. Last evaluated: 2024-06-07. Review status: criteria provided, single submitter. Criteria: Ambry Variant Classification Scheme 2023. Collection method: clinical testing. Allele origin: germline.

Labcorp Genetics (formerly Invitae), Labcorp
Classification: Uncertain significance. Last evaluated: 2022-10-20. Review status: criteria provided, single submitter. Criteria: Invitae Variant Classification Sherloc (09022015). Collection method: clinical testing. Allele origin: germline.
Comment: This sequence change replaces alanine, which is neutral and non-polar, with glutamic acid, which is acidic and polar, at codon 540 of the TMTC3 protein (p.Ala540Glu). This variant is present in population databases (rs143116689, gnomAD 0.09%), and has an allele count higher than expected for a pathogenic variant. This variant has not been reported in the literature in individuals affected with TMTC3-related conditions. Algorithms developed to predict the effect of missense changes on protein structure and function (SIFT, PolyPhen-2, Align-GVGD) all suggest that this variant is likely to be tolerated. In summary, the available evidence is currently insufficient to determine the role of this variant in disease. Therefore, it has been classified as a Variant of Uncertain Significance.